The following is an entry in ClinVar:

NM_001940.4(ATN1):c.1464GCA[7] (p.Gln495_Gln502del)

Genes: ATN1 (atrophin 1; plus strand), LOC109461484 (atrophin 1 repeat instability region; plus strand). Cytogenetic location: 12p13.31.
Variant type: Microsatellite.
Coding change: c.1464GCA[7] on transcript NM_001940.4 (MANE Select); seven copies in a row of the 3-base unit GCA starting at c.1464; the reference has 15 copies in a row; eight copies, 24 bases deleted.
Protein change: p.Gln495_Gln502del.
Molecular consequence: inframe deletion. On other transcripts: inframe indel (1).
Genome position (GRCh38, 1-based): chr12:6,936,752-6,936,775, GCAGCAGCAGCAGCAGCAGCAGCA deleted; deleting any 24 consecutive bases within chr12:6,936,729-6,936,775 gives the same sequence; the position shown is the placement nearest the transcript's 3' end. VCF-style (leftmost placement, unchanged base first): chr12-6936728-ACAGCAGCAGCAGCAGCAGCAGCAG-A. GRCh37 (hg19) VCF-style: chr12-7045891-ACAGCAGCAGCAGCAGCAGCAGCAG-A.
Other names: c.1464GCA[7], p.Gln495_Gln502del (NM_001007026.2, NM_001424176.1, NM_001424177.1 and 1 more transcripts); c.1461GCA[7], p.Gln494_Gln501del (NM_001424179.1, NM_001424180.1); c.1464_(1466_?)GCA[7], p.Gln495_Gln(495_?)del (NM_001424181.1); c.1461GCA[7], p.Gln494del (NM_001424182.1); c.1485_1508del24 (NM_001007026.1); short protein forms Q494del.
Identifiers: ClinVar variation 2642646 (VCV002642646.27), dbSNP rs60216939, ClinGen allele CA691359133.

ClinVar aggregate classification (germline): Likely benign. Review status: criteria provided, multiple submitters, no conflicts (2 of 4 stars). 4 submissions from 4 submitters: Likely benign (4). Last evaluated 2026-08-01.

Conditions:
Inborn genetic diseases. Identifiers: MedGen C0950123, MeSH D030342.

Submissions (4):

CeGaT Center for Human Genetics Tuebingen
Classification: Likely benign. Last evaluated: 2026-08-01. Review status: criteria provided, single submitter. Criteria: CeGaT Center For Human Genetics Tuebingen Variant Classification Criteria Version 2. Collection method: clinical testing. Allele origin: germline. Affected: yes. Observed: 8 variant alleles.
Comment: ATN1: BS1

Laboratory of Genetics, Children's Clinical University Hospital Latvia
Classification: Likely benign. Last evaluated: 2025-02-16. Review status: criteria provided, single submitter. Criteria: ACMG Guidelines, 2015. Collection method: clinical testing. Allele origin: germline. Affected: yes.

Ambry Genetics
Classification: Likely benign for Inborn genetic diseases. Last evaluated: 2024-12-20. Review status: criteria provided, single submitter. Criteria: Ambry Variant Classification Scheme 2023. Collection method: clinical testing. Allele origin: germline.

Blueprint Genetics
Classification: Likely benign. Last evaluated: 2024-11-25. Review status: criteria provided, single submitter. Criteria: ACMG Guidelines, 2015. Collection method: clinical testing. Allele origin: germline.